The following is an entry in ClinVar:

NM_000526.5(KRT14):c.1246C>A (p.Arg416Ser)

Gene: KRT14 (keratin 14; minus strand). Cytogenetic location: 17q21.2.
Variant type: single nucleotide variant.
Coding change: c.1246C>A on transcript NM_000526.5 (MANE Select); coding-DNA position 1246, C replaced by A.
Protein change: p.Arg416Ser; replaces arginine 416 with serine.
Molecular consequence: missense variant.
Genome position (GRCh38, 1-based): chr17:41,583,263, G>T on the plus strand (C>A on the coding strand, the complement: KRT14 is on the minus strand). VCF-style: chr17-41583263-G-T. GRCh37 (hg19) VCF-style: chr17-39739515-G-T.
Other names: short protein forms R416S.
Identifiers: ClinVar variation 2830246 (VCV002830246.3), dbSNP rs777067461, ClinGen allele CA8562467.

ClinVar aggregate classification (germline): Uncertain significance (1 of 4 stars; one submission).

Submission:

Labcorp Genetics (formerly Invitae), Labcorp
Classification: Uncertain significance. Last evaluated: 2023-01-19. Review status: criteria provided, single submitter. Criteria: Invitae Variant Classification Sherloc (09022015). Collection method: clinical testing. Allele origin: germline.
Comment: Algorithms developed to predict the effect of missense changes on protein structure and function (SIFT, PolyPhen-2, Align-GVGD) all suggest that this variant is likely to be disruptive. In summary, the available evidence is currently insufficient to determine the role of this variant in disease. Therefore, it has been classified as a Variant of Uncertain Significance. This variant has not been reported in the literature in individuals affected with KRT14-related conditions. This variant is present in population databases (rs777067461, gnomAD 0.006%). This sequence change replaces arginine, which is basic and polar, with serine, which is neutral and polar, at codon 416 of the KRT14 protein (p.Arg416Ser).